The following is an entry in ClinVar:

NM_173076.3(ABCA12):c.1892G>A (p.Arg631Gln)

Gene: ABCA12 (ATP binding cassette subfamily A member 12; minus strand). Cytogenetic location: 2q35.
Variant type: single nucleotide variant.
Coding change: c.1892G>A on transcript NM_173076.3 (MANE Select); coding-DNA position 1892, G replaced by A.
Protein change: p.Arg631Gln; replaces arginine 631 with glutamine.
Molecular consequence: missense variant. On other transcripts: non-coding transcript variant (1).
Genome position (GRCh38, 1-based): chr2:215,015,554, C>T on the plus strand (G>A on the coding strand, the complement: ABCA12 is on the minus strand). VCF-style: chr2-215015554-C-T. GRCh37 (hg19) VCF-style: chr2-215880278-C-T.
Other names: c.938G>A, p.Arg313Gln (NM_015657.4); short protein forms R631Q, R313Q.
Identifiers: ClinVar variation 262822 (VCV000262822.14), dbSNP rs76979001, ClinGen allele CA2092107.

ClinVar aggregate classification (germline): Benign. Review status: criteria provided, multiple submitters, no conflicts (2 of 4 stars). 3 submissions from 3 submitters: Benign (3). Last evaluated 2026-01-28.

Conditions:
Congenital ichthyosis of skin. Identifiers: MedGen C0020758.

Allele frequency attached by ClinVar (database versions not stated): 1000 Genomes Project 30x 0.00718; gnomAD 0.00253 and 0.00273; TOPMed 0.00479; ExAC 0.00528; 1000 Genomes Project 0.00679; gnomAD exomes 0.00669 and 0.00173; ESP Exome Variant Server 0.00015.
gnomAD v4.1: 2,957 of 1,614,026 alleles (0.18%); highest among the groups gnomAD compares: Admixed American, 3.1%; 45 homozygotes.

Submissions (3):

Labcorp Genetics (formerly Invitae), Labcorp
Classification: Benign. Last evaluated: 2026-01-28. Review status: criteria provided, single submitter. Criteria: Invitae Variant Classification Sherloc (09022015). Collection method: clinical testing. Allele origin: germline.

Illumina Laboratory Services, Illumina
Classification: Benign for Congenital ichthyosis of skin. Last evaluated: 2018-01-13. Review status: criteria provided, single submitter. Criteria: ICSL Variant Classification Criteria 13 December 2019. Collection method: clinical testing. Allele origin: germline.
Comment: This variant was observed in the ICSL laboratory as part of a predisposition screen in an ostensibly healthy population. It had not been previously curated by ICSL or reported in the Human Gene Mutation Database (HGMD: prior to June 1st, 2018), and was therefore a candidate for classification through an automated scoring system. Utilizing variant allele frequency, disease prevalence and penetrance estimates, and inheritance mode, an automated score was calculated to assess if this variant is too frequent to cause the disease. Based on the score and internal cut-off values, a variant classified as benign is not then subjected to further curation. The score for this variant resulted in a classification of benign for this disease.

PreventionGenetics, part of Exact Sciences
Classification: Benign. Review status: criteria provided, single submitter. Criteria: ACMG Guidelines, 2015. Collection method: clinical testing. Allele origin: germline.